The following is an entry in ClinVar:

NM_194248.3(OTOF):c.5534-2A>G

Gene: OTOF (otoferlin; minus strand). Cytogenetic location: 2p23.3.
Variant type: single nucleotide variant.
Coding change: c.5534-2A>G on transcript NM_194248.3 (MANE Select); the canonical splice acceptor site of the intron before coding-DNA position 5534, A replaced by G.
Molecular consequence: splice acceptor variant.
Genome position (GRCh38, 1-based): chr2:26,461,032, T>C on the plus strand (A>G on the coding strand, the complement: OTOF is on the minus strand). VCF-style: chr2-26461032-T-C. GRCh37 (hg19) VCF-style: chr2-26683900-T-C.
Other names: c.5534-2A>G (NM_001287489.2); c.3233-2A>G (NM_194323.3, NM_004802.4); c.3464-2A>G (NM_194322.3).
Identifiers: ClinVar variation 981072 (VCV000981072.1), dbSNP rs1664440809, ClinGen allele CA346130694.
Genomic context (GRCh38, chr2:26,461,032, plus strand): 5'-GCACTGCTTGGCTGTCTTTGCGCCCCGCGGGAACCGGTTCAGGTCCAGCTCGATGGCCCC[T>C]GTGGCAACCTCAGTGTCAGCTCAGAGTGAACAGGGCTGGGGTGGGGCGGGGTGGGGGTGG-3'

ClinVar aggregate classification (germline): Likely pathogenic (1 of 4 stars; one submission).

Conditions:
Autosomal recessive nonsyndromic hearing loss 9. Also called: Deafness, autosomal recessive 9; NEUROSENSORY NONSYNDROMIC RECESSIVE DEAFNESS 9; OTOF-Related Hearing Loss; AUDITORY NEUROPATHY, AUTOSOMAL RECESSIVE, 1, TEMPERATURE-SENSITIVE. Identifiers: Orphanet 90636, MedGen C1832828, MONDO:0010986, OMIM 601071.

Submission:

Women's Health and Genetics/Laboratory Corporation of America, LabCorp
Classification: Likely pathogenic for Deafness, autosomal recessive 9. Last evaluated: 2020-09-29. Review status: criteria provided, single submitter. Criteria: LabCorp Variant Classification Summary - May 2015. Collection method: clinical testing. Allele origin: germline.
Comment: Variant summary: OTOF c.5534-2A>G is located in a canonical splice-site and is predicted to affect mRNA splicing resulting in a significantly altered protein due to either exon skipping, shortening, or inclusion of intronic material. Computational tools predict a potential impact on normal splicing. However, these predictions have yet to be confirmed by functional studies. The variant was absent in 247674 control chromosomes (gnomAD). To our knowledge, no occurrence of c.5534-2A>G in individuals affected with Nonsyndromic Hearing Loss And Deafness, Type 9 and no experimental evidence demonstrating its impact on protein function have been reported. No clinical diagnostic laboratories have submitted clinical-significance assessments for this variant to ClinVar after 2014. Based on the evidence outlined above, the variant was classified as likely pathogenic.